The following is an entry in ClinVar:

ClinVar aggregate classification (germline): Likely benign (1 of 4 stars; one submission).

gnomAD v4.1: 4 of 1,453,544 alleles (0.00028%); highest among the groups gnomAD compares: Non-Finnish European, 0.00027%; no homozygotes.

Submission:

CeGaT Center for Human Genetics Tuebingen
Classification: Likely benign. Last evaluated: 2026-05-01. Review status: criteria provided, single submitter. Criteria: CeGaT Center For Human Genetics Tuebingen Variant Classification Criteria Version 2. Collection method: clinical testing. Allele origin: germline. Affected: yes. Observed: 1 variant allele.
Comment: KIF19: BP4, BP7

NM_153209.4(KIF19):c.1654C>A (p.Arg552=)

Gene: KIF19 (kinesin family member 19; plus strand). Cytogenetic location: 17q25.1.
Variant type: single nucleotide variant.
Coding change: c.1654C>A on transcript NM_153209.4 (MANE Select); coding-DNA position 1654, C replaced by A.
Protein change: p.Arg552=; no amino-acid change (arginine 552 retained).
Molecular consequence: synonymous variant.
Genome position (GRCh38, 1-based): chr17:74,351,933, C>A. VCF-style: chr17-74351933-C-A. GRCh37 (hg19) VCF-style: chr17-72348072-C-A.
Identifiers: ClinVar variation 4873342 (VCV004873342.2).